The following is an entry in ClinVar:

NM_130468.4(CHST14):c.766G>A (p.Asp256Asn)

Gene: CHST14 (carbohydrate sulfotransferase 14; plus strand). Cytogenetic location: 15q15.1.
Variant type: single nucleotide variant.
Coding change: c.766G>A on transcript NM_130468.4 (MANE Select); coding-DNA position 766, G replaced by A.
Protein change: p.Asp256Asn; replaces aspartic acid 256 with asparagine.
Molecular consequence: missense variant.
Genome position (GRCh38, 1-based): chr15:40,471,979, G>A. VCF-style: chr15-40471979-G-A. GRCh37 (hg19) VCF-style: chr15-40764178-G-A.
Other names: short protein forms D256N.
Identifiers: ClinVar variation 5034599 (VCV005034599.1).

ClinVar aggregate classification (germline): Uncertain significance (1 of 4 stars; one submission).

Conditions:
Cardiovascular phenotype. Identifiers: MedGen CN230736.

gnomAD v4.1: 5 of 1,614,164 alleles (0.00031%); highest among the groups gnomAD compares: Middle Eastern, 0.033%; no homozygotes.

Submission:

Ambry Genetics
Classification: Uncertain significance for Cardiovascular phenotype. Last evaluated: 2026-09-12. Review status: criteria provided, single submitter. Criteria: Ambry Variant Classification Scheme 2023. Collection method: clinical testing. Allele origin: germline.
Comment: The p.D256N variant (also known as c.766G>A), located in coding exon 1 of the CHST14 gene, results from a G to A substitution at nucleotide position 766. The aspartic acid at codon 256 is replaced by asparagine, an amino acid with highly similar properties. This amino acid position is conserved. In addition, this alteration is predicted to be tolerated by in silico analysis. Based on the available evidence, the clinical significance of this variant remains unclear.